The following is an entry in ClinVar:

NM_021072.4(HCN1):c.1369C>G (p.Leu457Val)

Gene: HCN1 (hyperpolarization activated cyclic nucleotide gated potassium channel 1; minus strand). Cytogenetic location: 5p12.
Variant type: single nucleotide variant.
Coding change: c.1369C>G on transcript NM_021072.4 (MANE Select); coding-DNA position 1369, C replaced by G.
Protein change: p.Leu457Val; replaces leucine 457 with valine.
Molecular consequence: missense variant.
Genome position (GRCh38, 1-based): chr5:45,353,108, G>C on the plus strand (C>G on the coding strand, the complement: HCN1 is on the minus strand). VCF-style: chr5-45353108-G-C. GRCh37 (hg19) VCF-style: chr5-45353210-G-C.
Other names: short protein forms L457V.
Identifiers: ClinVar variation 1770989 (VCV001770989.2), dbSNP rs766405905, ClinGen allele CA359701966.

ClinVar aggregate classification (germline): Uncertain significance (1 of 4 stars; one submission).

Conditions:
Inborn genetic diseases. Identifiers: MedGen C0950123, MeSH D030342.

Allele frequency attached by ClinVar (database versions not stated): gnomAD 0.00001.
gnomAD v4.1: 1 of 1,610,276 alleles (0.000062%); highest among the groups gnomAD compares: Admixed American, 0.0017%; no homozygotes.

Submission:

Ambry Genetics
Classification: Uncertain significance for Inborn genetic diseases. Last evaluated: 2018-03-21. Review status: criteria provided, single submitter. Criteria: Ambry Variant Classification Scheme 2023. Collection method: clinical testing. Allele origin: germline.
Comment: The p.L457V variant (also known as c.1369C>G), located in coding exon 5 of the HCN1 gene, results from a C to G substitution at nucleotide position 1369. The leucine at codon 457 is replaced by valine, an amino acid with highly similar properties. This amino acid position is highly conserved in available vertebrate species. In addition, this alteration is predicted to be deleterious by in silico analysis. Since supporting evidence is limited at this time, the clinical significance of this alteration remains unclear.